The following is an entry in ClinVar:

NM_000391.4(TPP1):c.128C>G (p.Pro43Arg)

Gene: TPP1 (tripeptidyl peptidase 1; minus strand). Cytogenetic location: 11p15.4.
Variant type: single nucleotide variant.
Coding change: c.128C>G on transcript NM_000391.4 (MANE Select); coding-DNA position 128, C replaced by G.
Protein change: p.Pro43Arg; replaces proline 43 with arginine.
Molecular consequence: missense variant.
Genome position (GRCh38, 1-based): chr11:6,618,877, G>C on the plus strand (C>G on the coding strand, the complement: TPP1 is on the minus strand). VCF-style: chr11-6618877-G-C. GRCh37 (hg19) VCF-style: chr11-6640108-G-C.
Other names: p.P43R:CCT>CGT; short protein forms P43R.
Identifiers: ClinVar variation 207562 (VCV000207562.2), dbSNP rs796053434, ClinGen allele CA319152.

ClinVar aggregate classification (germline): Uncertain significance (1 of 4 stars; one submission).

Submission:

GeneDx
Classification: Uncertain significance. Last evaluated: 2014-05-02. Review status: criteria provided, single submitter. Criteria: GeneDx Variant Classification (06012015). Collection method: clinical testing. Allele origin: germline. Affected: yes.
Comment: p.Pro43Arg (CCT>CGT): c.128 C>G in exon 3 of the TPP1 gene (NM_000391.3)A variant of unknown significance has been identified in the TPP1 gene. The P43R variant has not been published as a mutation, nor has it been reported as a benign polymorphism to our knowledge. It was not observed in approximately 6,500 individuals of European and African American ancestry in the NHLBI Exome Sequencing Project, indicating it is not a common benign variant in these populations. The P43R variant is a non-conservative amino acid substitution, which is likely to impact secondary protein structure as these residues differ in polarity, charge, size and/or other properties. However, this substitution occurs at a position that is not conserved across species. In silico analysis is inconsistent in its predictions as to whether or not the variant is damaging to the protein structure/function.Therefore, based on the currently available information, it is unclear whether this variant is a pathogenic mutation or a rare benign variant. The variant is found in INFANT-EPI panel(s).